The following is an entry in ClinVar:

ClinVar aggregate classification (germline): Uncertain significance. Review status: criteria provided, multiple submitters, no conflicts (2 of 4 stars). 3 submissions from 3 submitters: Uncertain significance (3). Last evaluated 2023-07-26.

Allele frequency attached by ClinVar (database versions not stated): gnomAD 0.00001; TOPMed 0.00009; gnomAD exomes 0.00010 and 0.00021; ExAC 0.00016.
gnomAD v4.1: 61 of 1,614,126 alleles (0.0038%); highest among the groups gnomAD compares: Admixed American, 0.095%; no homozygotes.

Submissions (3):

Mayo Clinic Laboratories, Mayo Clinic
Classification: Uncertain significance. Last evaluated: 2023-07-26. Review status: criteria provided, single submitter. Criteria: ACMG Guidelines, 2015. Collection method: clinical testing. Allele origin: germline. Observed: 1 variant allele.
Comment: BS1

Labcorp Genetics (formerly Invitae), Labcorp
Classification: Uncertain significance. Last evaluated: 2022-08-10. Review status: criteria provided, single submitter. Criteria: Invitae Variant Classification Sherloc (09022015). Collection method: clinical testing. Allele origin: germline.
Comment: In summary, the available evidence is currently insufficient to determine the role of this variant in disease. Therefore, it has been classified as a Variant of Uncertain Significance. Algorithms developed to predict the effect of missense changes on protein structure and function are either unavailable or do not agree on the potential impact of this missense change (SIFT: "Deleterious"; PolyPhen-2: "Possibly Damaging"; Align-GVGD: "Class C0"). ClinVar contains an entry for this variant (Variation ID: 1328620). This variant has not been reported in the literature in individuals affected with WDR62-related conditions. This variant is present in population databases (rs781278130, gnomAD 0.1%). This sequence change replaces tyrosine, which is neutral and polar, with histidine, which is basic and polar, at codon 327 of the WDR62 protein (p.Tyr327His).

GeneDx
Classification: Uncertain significance. Last evaluated: 2021-12-10. Review status: criteria provided, single submitter. Criteria: GeneDx Variant Classification Process June 2021. Collection method: clinical testing. Allele origin: germline. Affected: yes.
Comment: In silico analysis supports that this missense variant has a deleterious effect on protein structure/function; Has not been previously published as pathogenic or benign to our knowledge

NM_001083961.2(WDR62):c.979T>C (p.Tyr327His)

Gene: WDR62 (WD repeat domain 62; plus strand). Cytogenetic location: 19q13.12.
Variant type: single nucleotide variant.
Coding change: c.979T>C on transcript NM_001083961.2 (MANE Select); coding-DNA position 979, T replaced by C.
Protein change: p.Tyr327His; replaces tyrosine 327 with histidine.
Molecular consequence: missense variant.
Genome position (GRCh38, 1-based): chr19:36,071,652, T>C. VCF-style: chr19-36071652-T-C. GRCh37 (hg19) VCF-style: chr19-36562554-T-C.
Other names: p.Tyr327His; c.979T>C, p.Tyr327His (NM_173636.5); short protein forms Y327H.
Identifiers: ClinVar variation 1328620 (VCV001328620.7), dbSNP rs781278130, ClinGen allele CA9395442.